The following is an entry in ClinVar:

NM_001365536.1(SCN9A):c.3285A>C (p.Glu1095Asp)

Genes: SCN1A-AS1 (SCN1A and SCN9A antisense RNA 1; plus strand), SCN9A (sodium voltage-gated channel alpha subunit 9; minus strand). Cytogenetic location: 2q24.3.
Variant type: single nucleotide variant.
Coding change: c.3285A>C on transcript NM_001365536.1 (MANE Select); coding-DNA position 3285, A replaced by C.
Protein change: p.Glu1095Asp; replaces glutamic acid 1095 with aspartic acid.
Molecular consequence: missense variant.
Genome position (GRCh38, 1-based): chr2:166,272,465, T>G on the plus strand (A>C on the coding strand, the complement: SCN9A is on the minus strand). VCF-style: chr2-166272465-T-G. GRCh37 (hg19) VCF-style: chr2-167128975-T-G.
Other names: c.3252A>C, p.Glu1084Asp (NM_002977.4); short protein forms E1084D, E1095D.
Identifiers: ClinVar variation 471109 (VCV000471109.9), dbSNP rs200635145, ClinGen allele CA349072701.
Genomic context (GRCh38, chr2:166,272,465, plus strand): 5'-GCTGTATTCACTATCCGAATCACTGCTAAGTTCCTCAGCATTCATATTTTCCAAATCGGA[T>G]TCCCCAGGTGCAATTGGCACTGTCACTGTGAGGCTGGGATTGTGAATAAATGATTGACCA-3'
Protein context (NP_001352465.1, residues 1085-1105): LTVTVPIAPG[Glu1095Asp]SDLENMNAEE

ClinVar aggregate classification (germline): Uncertain significance (1 of 4 stars; one submission).

Conditions:
Neuropathy, hereditary sensory and autonomic, type 2A (HSAN2A). Also called: ACROOSTEOLYSIS, NEUROGENIC; ACROOSTEOLYSIS, GIACCAI TYPE; MORVAN DISEASE; NEUROPATHY, CONGENITAL SENSORY; NEUROPATHY, HEREDITARY SENSORY RADICULAR, AUTOSOMAL RECESSIVE; NEUROPATHY, HEREDITARY SENSORY, TYPE IIA. Identifiers: Orphanet 970, MedGen C2752089, MONDO:0024309, OMIM 201300.
Generalized epilepsy with febrile seizures plus, type 7 (GEFSP7). Also called: GEFS+, TYPE 7. Identifiers: Orphanet 36387, MedGen C2751778, MONDO:0013470, OMIM 613863.

Submission:

Labcorp Genetics (formerly Invitae), Labcorp
Classification: Uncertain significance for Neuropathy, hereditary sensory and autonomic, type 2A; Generalized epilepsy with febrile seizures plus, type 7. Last evaluated: 2023-04-17. Review status: criteria provided, single submitter. Criteria: Invitae Variant Classification Sherloc (09022015). Collection method: clinical testing. Allele origin: germline.
Comment: In summary, the available evidence is currently insufficient to determine the role of this variant in disease. Therefore, it has been classified as a Variant of Uncertain Significance. Advanced modeling of protein sequence and biophysical properties (such as structural, functional, and spatial information, amino acid conservation, physicochemical variation, residue mobility, and thermodynamic stability) performed at Invitae indicates that this missense variant is not expected to disrupt SCN9A protein function. ClinVar contains an entry for this variant (Variation ID: 471109). This variant has not been reported in the literature in individuals affected with SCN9A-related conditions. This variant is not present in population databases (gnomAD no frequency). This sequence change replaces glutamic acid, which is acidic and polar, with aspartic acid, which is acidic and polar, at codon 1084 of the SCN9A protein (p.Glu1084Asp).